The following is an entry in ClinVar:

NM_000535.7(PMS2):c.-2C>G

Gene: PMS2 (PMS1 homolog 2, mismatch repair system component; minus strand). Cytogenetic location: 7p22.1.
Variant type: single nucleotide variant.
Coding change: c.-2C>G on transcript NM_000535.7 (MANE Select); 2 bases upstream of the start codon, C replaced by G.
Molecular consequence: 5 prime UTR variant. On other transcripts: non-coding transcript variant (1).
Genome position (GRCh38, 1-based): chr7:6,009,021, G>C on the plus strand (C>G on the coding strand, the complement: PMS2 is on the minus strand). VCF-style: chr7-6009021-G-C. GRCh37 (hg19) VCF-style: chr7-6048652-G-C.
Other names: c.-402C>G (NM_001018040.1, NM_001322003.2, NM_001322013.2 and 5 more transcripts); c.-267C>G (NM_001322004.2, NM_001322010.2, NM_001406911.1); c.-597C>G (NM_001322005.2); c.-2C>G (NM_001322006.2, NM_001322014.2, NM_001406866.1 and 11 more transcripts); c.-217C>G (NM_001322007.2, NM_001406876.1, NM_001406896.1 and 2 more transcripts); c.-77C>G (NM_001322008.2); c.-592C>G (NM_001322009.2, NM_001406897.1); c.-886C>G (NM_001322011.2); and 19 more.
Identifiers: ClinVar variation 1798654 (VCV001798654.3), dbSNP rs876658209, ClinGen allele CA2580077217.

ClinVar aggregate classification (germline): Uncertain significance. Review status: criteria provided, multiple submitters, no conflicts (2 of 4 stars). 2 submissions from 2 submitters: Uncertain significance (2). Last evaluated 2025-04-07.

Conditions:
Hereditary cancer-predisposing syndrome. Also called: Neoplastic Syndromes, Hereditary; Tumor predisposition; Hereditary Cancer Syndrome; Hereditary neoplastic syndrome. Identifiers: Orphanet 140162, MedGen C0027672, MeSH D009386, MONDO:0015356.

Submissions (2):

Color Diagnostics, LLC DBA Color Health
Classification: Uncertain significance for Hereditary cancer-predisposing syndrome. Last evaluated: 2025-04-07. Review status: criteria provided, single submitter. Criteria: ACMG Guidelines, 2015. Collection method: clinical testing. Allele origin: germline.
Comment: This variant is located at the -2 position of the Kozak consensus sequence in the 5' untranslated region of the PMS2 gene. An in vitro experimental study reported decreased in vitro translation efficiency with this variant compared to wild-type PMS2 (PMID: 38654521). This variant has not been reported in individuals affected with PMS2-related disorders in the literature. This variant has not been identified in the general population by the Genome Aggregation Database (gnomAD). The available evidence is insufficient to determine the role of this variant in disease conclusively. Therefore, this variant is classified as a Variant of Uncertain Significance.

Ambry Genetics
Classification: Uncertain significance for Hereditary cancer-predisposing syndrome. Last evaluated: 2024-01-04. Review status: criteria provided, single submitter. Criteria: Ambry Variant Classification Scheme 2023. Collection method: clinical testing. Allele origin: germline.
Comment: The c.-2C>G variant is located in the 5' untranslated region (5&rsquo; UTR) of the PMS2 gene. This variant results from a C to G substitution 2 bases upstream from the first translated codon. This nucleotide position is poorly conserved in available vertebrate species. Since supporting evidence is limited at this time, the clinical significance of this alteration remains unclear.

Literature cited by the submitters: PubMed 38654521 (cited by Color Diagnostics, LLC DBA Color Health).